The following is an entry in ClinVar:

ClinVar aggregate classification (germline): Uncertain significance (1 of 4 stars; one submission).

Conditions:
Idiopathic generalized epilepsy. Also called: Generalised epilepsy; EIG. Identifiers: MedGen C0270850, MONDO:0005579, OMIM 600669.
Hyperaldosteronism, familial, type IV (HALD4). Also called: FH IV; ALDOSTERONISM, PRIMARY, AND HYPERTENSION. Identifiers: Orphanet 642671, MedGen C4310756, MONDO:0014875, OMIM 617027.

Submission:

Labcorp Genetics (formerly Invitae), Labcorp
Classification: Uncertain significance for Idiopathic generalized epilepsy; Hyperaldosteronism, familial, type IV. Last evaluated: 2024-10-14. Review status: criteria provided, single submitter. Criteria: Invitae Variant Classification Sherloc (09022015). Collection method: clinical testing. Allele origin: germline.
Comment: This sequence change replaces alanine, which is neutral and non-polar, with aspartic acid, which is acidic and polar, at codon 2115 of the CACNA1H protein (p.Ala2115Asp). This variant is not present in population databases (gnomAD no frequency). This variant has not been reported in the literature in individuals affected with CACNA1H-related conditions. ClinVar contains an entry for this variant (Variation ID: 1000764). Invitae Evidence Modeling of protein sequence and biophysical properties (such as structural, functional, and spatial information, amino acid conservation, physicochemical variation, residue mobility, and thermodynamic stability) indicates that this missense variant is not expected to disrupt CACNA1H protein function with a negative predictive value of 80%. In summary, the available evidence is currently insufficient to determine the role of this variant in disease. Therefore, it has been classified as a Variant of Uncertain Significance.

NM_021098.3(CACNA1H):c.6344C>A (p.Ala2115Asp)

Gene: CACNA1H (calcium voltage-gated channel subunit alpha1 H; plus strand). Cytogenetic location: 16p13.3.
Variant type: single nucleotide variant.
Coding change: c.6344C>A on transcript NM_021098.3 (MANE Select); coding-DNA position 6344, C replaced by A.
Protein change: p.Ala2115Asp; replaces alanine 2115 with aspartic acid.
Molecular consequence: missense variant.
Genome position (GRCh38, 1-based): chr16:1,220,276, C>A. VCF-style: chr16-1220276-C-A. GRCh37 (hg19) VCF-style: chr16-1270276-C-A.
Other names: c.6326C>A, p.Ala2109Asp (NM_001005407.2); short protein forms A2109D, A2115D.
Identifiers: ClinVar variation 1000764 (VCV001000764.8), dbSNP rs183014006, ClinGen allele CA394149556.